The following is an entry in ClinVar:

ClinVar aggregate classification (germline): Pathogenic. Review status: reviewed by expert panel (3 of 4 stars). 22 submissions from 22 submitters: Pathogenic (1). 21 of the submissions do not count toward it. Last evaluated 2021-11-23.

Conditions:
MYH7-related disorder. Also called: MYH7-related condition; MYH7-related disease; MYH7-related disorders.
Hypertrophic cardiomyopathy 1 (CMH1). Also called: Familial hypertrophic cardiomyopathy 1; MYH7-Related Familial Hypertrophic Cardiomyopathy. Identifiers: MedGen C3495498, MONDO:0008647, OMIM 192600.
Myopathy, myosin storage, autosomal recessive (CMYO7B). Also called: CONGENITAL MYOPATHY 7B, MYOSIN STORAGE, AUTOSOMAL RECESSIVE. Identifiers: Orphanet 636970, MedGen C1850709, MONDO:0009708, OMIM 255160.
Myosin storage myopathy (CMYO7A). Also called: MYOPATHY WITH LYSIS OF TYPE I MYOFIBRILS; MYOPATHY, HYALINE BODY, AUTOSOMAL DOMINANT; SCAPULOPERONEAL MUSCULAR DYSTROPHY; SCAPULOPERONEAL SYNDROME, MYOPATHIC TYPE; MYH7-related late-onset scapuloperoneal muscular dystrophy; Congenital myopathy 7A, myosin storage, autosomal dominant. Identifiers: Orphanet 437572, Orphanet 636965, MedGen C1842160, MONDO:0008409, OMIM 608358.
Dilated cardiomyopathy 1S (CMD1S). Identifiers: Orphanet 154, Orphanet 54260, MedGen C1834481, MONDO:0013262, OMIM 613426.
MYH7-related skeletal myopathy. Also called: Myopathy, distal, 1; Laing distal myopathy; MYOPATHY, DISTAL, EARLY-ONSET, AUTOSOMAL DOMINANT; MYOPATHY, LATE DISTAL HEREDITARY; Laing early-onset distal myopathy. Identifiers: Orphanet 59135, MedGen C4552004, MONDO:0008050, OMIM 160500.
Congenital myopathy with fiber type disproportion. Also called: Congenital fiber-type disproportion myopathy; Congenital fiber-type disproportion. Identifiers: Orphanet 2020, MedGen C0546264, MONDO:0009711. Inheritance: all.
Cardiovascular phenotype. Identifiers: MedGen CN230736.
Cardiomyopathy (CMYO). Also called: Cardiomyopathies. Identifiers: Orphanet 167848, MedGen C0878544, MONDO:0004994, HP:0001638. Inheritance: Various modes of inheritance.
Hypertrophic cardiomyopathy. Also called: HYPERTROPHIC MYOCARDIOPATHY. Identifiers: Orphanet 217569, MedGen C0007194, MeSH D002312, MONDO:0005045, HP:0001639.

Allele frequency attached by ClinVar (database versions not stated): gnomAD exomes below 0.00001 and 0.00001; TOPMed below 0.00001; gnomAD 0.00001.
gnomAD v4.1: 5 of 1,613,472 alleles (0.00031%); highest among the groups gnomAD compares: East Asian, 0.0022%; no homozygotes.

Submissions 1 to 9 of 22:

ClinGen Cardiomyopathy Variant Curation Expert Panel
Classification: Pathogenic for Hypertrophic cardiomyopathy. Last evaluated: 2021-11-23. Review status: reviewed by expert panel. Criteria: ClinGen CMP ACMG Specifications v1. Collection method: curation. Allele origin: germline. Inheritance: Autosomal dominant inheritance.
Comment: The NM_000257.4(MYH7):c.4130C>T (p.Thr1377Met) variant in MYH7 has been reported in >30 individuals with HCM (PS4; Richard 2003 PMID: 12707239; Van Driest 2004 PMID: 15358028; Girolami 2006 PMID: 16858239; Millat 2010 PMID: 20624503; Witjas-Paalberends 2013 PMID: 23674513; Berge 2014 PMID: 24111713; Helms 2014 PMID: 25031304; Adler 2016 PMID: 26743238; Montag 2017 PMID: 29101517; Pérez-Sánchez 2018 PMID: 28687478; Wang 2018 PMID: 29343710; Ambry pers. comm.; CHEO pers. comm.; GeneDx pers. comm., Invitae pers. comm.; LMM pers. comm.; Mayo pers. comm.; OMGL pers. comm.). This variant segregated with disease in >10 affected relatives with HCM in at least 4 families (PP1_strong; Pérez-Sánchez 2018 PMID: 28687478; Wang 2018 PMID: 29343710; LMM pers. comm.). This variant was identified in 0.0009% (1/113754) of European chromosomes by gnomAD v2.1.1 (PM2). Computational prediction tools and conservation analysis suggest that this variant may impact the protein (PP3). In summary, this variant meets criteria to be classified as pathogenic for hypertrophic cardiomyopathy in an autosomal dominant manner. MYH7-specific ACMG/AMP criteria applied (PMID:29300372): PS4; PP1_Strong; PM2; PP3.

Labcorp Genetics (formerly Invitae), Labcorp
Classification: Pathogenic for Hypertrophic cardiomyopathy. Last evaluated: 2026-01-06. Review status: criteria provided, single submitter. Criteria: Invitae Variant Classification Sherloc (09022015). Collection method: clinical testing. Allele origin: germline. Not counted in ClinVar's aggregate classification.
Comment: This sequence change replaces threonine, which is neutral and polar, with methionine, which is neutral and non-polar, at codon 1377 of the MYH7 protein (p.Thr1377Met). This variant is present in population databases (rs397516201, gnomAD 0.0009%). This missense change has been observed in individuals with hypertrophic cardiomyopathy (PMID: 12707239, 16858239, 18409188, 20800588, 24111713, 25031304, 27247418, 27532257, 32344918). ClinVar contains an entry for this variant (Variation ID: 42992). Invitae Evidence Modeling of protein sequence and biophysical properties (such as structural, functional, and spatial information, amino acid conservation, physicochemical variation, residue mobility, and thermodynamic stability) indicates that this missense variant is expected to disrupt MYH7 protein function with a positive predictive value of 95%. For these reasons, this variant has been classified as Pathogenic.

3billion
Classification: Pathogenic for Hypertrophic cardiomyopathy 1. Last evaluated: 2025-11-06. Review status: criteria provided, single submitter. Criteria: ACMG Guidelines, 2015. Collection method: clinical testing. Allele origin: germline. Affected: yes. Not counted in ClinVar's aggregate classification.
Comment: The variant is observed at an extremely low frequency in the gnomAD v4.1.0 dataset (total allele frequency: <0.001%). Predicted Consequence/Location: Missense variant In silico tool predictions suggest damaging effect of the variant on gene or gene product [REVEL: 0.86 (>=0.6, sensitivity 0.68 and specificity 0.92); 3Cnet: 0.99 (> 0.75, sensitivity 0.96 and precision 0.92)]. The same nucleotide change resulting in the same amino acid change has been previously reported as pathogenic/likely pathogenic with strong evidence (ClinVar ID: VCV000042992 /PMID: 12707239 /3billion dataset). The variant has been observed in multiple (>3) similarly affected unrelated individuals (PMID: 12707239, 16858239, 18533079, 20624503, 21239446, 23674513, 24093860, 25031304, 27532257, 30297972). The variant has been reported to co-segregate with the disease in at least 7 similarly affected relatives/individuals in at least two unrelated families (PMID: 12707239, 16858239, 18409188, 20800588, 24111713, 25031304, 27247418, 27532257). Therefore, this variant is classified as Pathogenic according to the recommendation of ACMG/AMP guideline.

GeneDx
Classification: Pathogenic. Last evaluated: 2025-05-17. Review status: criteria provided, single submitter. Criteria: GeneDx Variant Classification Process June 2021. Collection method: clinical testing. Allele origin: germline. Affected: yes. Not counted in ClinVar's aggregate classification.
Comment: Not observed at significant frequency in large population cohorts (gnomAD); In silico analysis supports that this missense variant has a deleterious effect on protein structure/function; This variant is associated with the following publications: (PMID: 16352453, 15358028, 20800588, 25031304, 18409188, 20624503, 21239446, 24835277, 18533079, 23674513, 12707239, 24111713, 24510615, 16858239, 28971120, 27247418, 27532257, 28202948, 29988065, 28687478, 29101517, 29300372, 26743238, 27688314, 30165862, 30665703, 30972196, 29169752, 24093860, 32344918, 30297972, 33673806, 33407484, 32894683, 33658040, 37652022, 36204818, 37907184, 35626289, 35653365, 35208637, 32492895, 29343710)

Ambry Genetics
Classification: Pathogenic for Cardiovascular phenotype. Last evaluated: 2025-03-30. Review status: criteria provided, single submitter. Criteria: Ambry Variant Classification Scheme 2023. Collection method: clinical testing. Allele origin: germline. Not counted in ClinVar's aggregate classification.
Comment: The p.T1377M pathogenic mutation (also known as c.4130C>T), located in coding exon 28 of the MYH7 gene, results from a C to T substitution at nucleotide position 4130. The threonine at codon 1377 is replaced by methionine, an amino acid with similar properties. This variant was identified in one or more individuals with features consistent with hypertrophic cardiomyopathy and segregated with disease in at least one family (Richard P et al. Circulation. 2003;107(17):2227-32 (reported as c.19222C>T); Van Driest SL et al. J Am Coll Cardiol. 2004;44(3):602-10; Olivotto I et al. Mayo Clin Proc. 2008;83(6):630-8; Millat G et al. Eur J Med Genet. 2010;53:261-7; Fokstuen S et al. J. Med. Genet. 2011;48:572-6; Berge KE et al. Clin Genet. 2014;86(4):355-60; Walsh R et al. Genet. Med. 2017;19:192-203; P&eacute;rez-S&aacute;nchez I et al. Rev Esp Cardiol (Engl Ed), 2018;71:146-154; Wang J et al. Sci Rep, 2018;8:973). This amino acid position is highly conserved in available vertebrate species. In addition, this alteration is predicted to be deleterious by in silico analysis. This variant is considered to be rare based on population cohorts in the Genome Aggregation Database (gnomAD). Based on the supporting evidence, this alteration is interpreted as a disease-causing mutation.

Department of Human Genetics, Hannover Medical School
Classification: Pathogenic for Hypertrophic cardiomyopathy 1. Last evaluated: 2025-03-21. Review status: criteria provided, single submitter. Criteria: ACMG Guidelines, 2015. Collection method: clinical testing. Allele origin: germline. Inheritance: Autosomal dominant inheritance. Affected: yes. Not counted in ClinVar's aggregate classification.
Comment: ClinGen VCEP: PS4, PM2_Supporting, PP1_Strong, PP3

Molecular Diagnostic Laboratory for Inherited Cardiovascular Disease, Montreal Heart Institute
Classification: Pathogenic for Cardiovascular phenotype. Last evaluated: 2024-08-22. Review status: criteria provided, single submitter. Criteria: ACMG Guidelines, 2015. Collection method: clinical testing. Allele origin: germline. Affected: yes. Not counted in ClinVar's aggregate classification.
Comment: PS4, PP1_strong, PM2, PP3

Genomic Research Center, Shahid Beheshti University of Medical Sciences
Classification: Pathogenic. Last evaluated: 2023-12-10. Review status: criteria provided, single submitter. Criteria: ACMG Guidelines, 2015. Collection method: clinical testing. Allele origin: unknown. Affected: yes. Observed: 1 variant allele. Not counted in ClinVar's aggregate classification.

CHEO Genetics Diagnostic Laboratory, Children's Hospital of Eastern Ontario
Classification: Pathogenic for Cardiomyopathy. Last evaluated: 2023-06-15. Review status: criteria provided, single submitter. Criteria: ACMG Guidelines, 2015. Collection method: clinical testing. Allele origin: germline. Not counted in ClinVar's aggregate classification.

NM_000257.4(MYH7):c.4130C>T (p.Thr1377Met)

Gene: MYH7 (myosin heavy chain 7; minus strand). Cytogenetic location: 14q11.2.
Variant type: single nucleotide variant.
Coding change: c.4130C>T on transcript NM_000257.4 (MANE Select); coding-DNA position 4130, C replaced by T.
Protein change: p.Thr1377Met; replaces threonine 1377 with methionine.
Molecular consequence: missense variant.
Genome position (GRCh38, 1-based): chr14:23,418,249, G>A on the plus strand (C>T on the coding strand, the complement: MYH7 is on the minus strand). VCF-style: chr14-23418249-G-A. GRCh37 (hg19) VCF-style: chr14-23887458-G-A.
Other names: NM_000257.3(MYH7):c.4130C>T; NM_000257.4(MYH7):c.4130C>T; short protein forms T1377M.
Identifiers: ClinVar variation 42992 (VCV000042992.81), dbSNP rs397516201, ClinGen allele CA014494.